The following is an entry in ClinVar:

ClinVar aggregate classification (germline): Pathogenic/Likely pathogenic. Review status: criteria provided, multiple submitters, no conflicts (2 of 4 stars). 2 submissions from 2 submitters: Pathogenic (1); Likely pathogenic (1). Last evaluated 2025-01-24.

Conditions:
Mucopolysaccharidosis type 7 (MPS7). Also called: BETA-GLUCURONIDASE DEFICIENCY; GUSB DEFICIENCY; MPS VII; SLY SYNDROME. Identifiers: Orphanet 584, MedGen C0085132, MONDO:0009662, OMIM 253220.
GUSB-related disorder. Also called: GUSB-related condition.

Allele frequency attached by ClinVar (database versions not stated): gnomAD exomes below 0.00001; TOPMed below 0.00001; ExAC 0.00001.
gnomAD v4.1: 1 of 1,613,476 alleles (0.000062%); highest among the groups gnomAD compares: Admixed American, 0.0017%; no homozygotes.

Submissions (2):

PreventionGenetics, part of Exact Sciences
Classification: Pathogenic for GUSB-related condition. Last evaluated: 2025-01-24. Review status: criteria provided, single submitter. Criteria: ACMG Guidelines, 2015. Collection method: clinical testing. Allele origin: germline.
Comment: The GUSB c.581+1G>A variant is predicted to disrupt the GT donor site and interfere with normal splicing. This variant was reported in the compound heterozygous state in an individual with mucopolysaccharidosis VII (Tomatsu et al. 2009. PubMed ID: 19224584). This variant is reported in 0.0029% of alleles in individuals of Latino descent in gnomAD. Variants that disrupt the consensus splice donor site in GUSB are expected to be pathogenic. This variant is interpreted as pathogenic.

Labcorp Genetics (formerly Invitae), Labcorp
Classification: Likely pathogenic for Mucopolysaccharidosis type 7. Last evaluated: 2023-02-04. Review status: criteria provided, single submitter. Criteria: Invitae Variant Classification Sherloc (09022015). Collection method: clinical testing. Allele origin: germline.
Comment: This sequence change affects a donor splice site in intron 3 of the GUSB gene. It is expected to disrupt RNA splicing. Variants that disrupt the donor or acceptor splice site typically lead to a loss of protein function (PMID: 16199547), and loss-of-function variants in GUSB are known to be pathogenic (PMID: 19224584). This variant is present in population databases (rs773510214, gnomAD 0.003%). Disruption of this splice site has been observed in individual(s) with recessive mucopolysaccharidosis type VII (PMID: 19224584). Algorithms developed to predict the effect of sequence changes on RNA splicing suggest that this variant may disrupt the consensus splice site. In summary, the currently available evidence indicates that the variant is pathogenic, but additional data are needed to prove that conclusively. Therefore, this variant has been classified as Likely Pathogenic.

Literature cited by the submitters: PubMed 16199547 (cited by Labcorp Genetics (formerly Invitae), Labcorp); PubMed 19224584 (cited by Labcorp Genetics (formerly Invitae), Labcorp).

NM_000181.4(GUSB):c.581+1G>A

Gene: GUSB (glucuronidase beta; minus strand). Cytogenetic location: 7q11.21.
Variant type: single nucleotide variant.
Coding change: c.581+1G>A on transcript NM_000181.4 (MANE Select); the canonical splice donor site of the intron after coding-DNA position 581, G replaced by A.
Molecular consequence: splice donor variant. On other transcripts: intron variant (3).
Genome position (GRCh38, 1-based): chr7:65,979,726, C>T on the plus strand (G>A on the coding strand, the complement: GUSB is on the minus strand). VCF-style: chr7-65979726-C-T. GRCh37 (hg19) VCF-style: chr7-65444713-C-T.
Other names: c.67+498G>A (NM_001293105.2); c.12-185G>A (NM_001293104.2); c.474+108G>A (NM_001284290.2).
Identifiers: ClinVar variation 2636656 (VCV002636656.5), dbSNP rs773510214, ClinGen allele CA4276607.